The following is an entry in ClinVar:

ClinVar aggregate classification (germline): Uncertain significance. Review status: criteria provided, multiple submitters, no conflicts (2 of 4 stars). 2 submissions from 2 submitters: Uncertain significance (2). Last evaluated 2025-10-16.

Conditions:
Encephalopathy, acute, infection-induced (herpes-specific), susceptibility to, 1. Also called: Herpes simplex encephalitis, susceptibility to, 1. Identifiers: Orphanet 1930, MedGen C2750180, MONDO:0024563, OMIM 610551.

gnomAD v4.1: 15 of 1,613,960 alleles (0.00093%); highest among the groups gnomAD compares: Non-Finnish European, 0.0013%; no homozygotes.

Submissions (2):

Labcorp Genetics (formerly Invitae), Labcorp
Classification: Uncertain significance for Encephalopathy, acute, infection-induced (herpes-specific), susceptibility to, 1. Last evaluated: 2025-10-16. Review status: criteria provided, single submitter. Criteria: Invitae Variant Classification Sherloc (09022015). Collection method: clinical testing. Allele origin: germline.
Comment: This sequence change creates a premature translational stop signal (p.Gln753*) in the TLR3 gene. It is expected to result in an absent or disrupted protein product. However, the current clinical and genetic evidence is not sufficient to establish whether loss-of-function variants in TLR3 cause disease. This variant is present in population databases (no rsID available, gnomAD 0.0009%). This variant has not been reported in the literature in individuals affected with TLR3-related conditions. In summary, the available evidence is currently insufficient to determine the role of this variant in disease. Therefore, it has been classified as a Variant of Uncertain Significance.

Blueprint Genetics
Classification: Uncertain significance. Last evaluated: 2024-05-30. Review status: criteria provided, single submitter. Criteria: ACMG Guidelines, 2015. Collection method: clinical testing. Allele origin: germline.

NM_003265.3(TLR3):c.2257C>T (p.Gln753Ter)

Gene: TLR3 (toll like receptor 3; plus strand). Cytogenetic location: 4q35.1.
Variant type: single nucleotide variant.
Coding change: c.2257C>T on transcript NM_003265.3 (MANE Select); coding-DNA position 2257, C replaced by T.
Protein change: p.Gln753Ter; replaces glutamine 753 with a stop codon.
Molecular consequence: nonsense.
Genome position (GRCh38, 1-based): chr4:186,083,943, C>T. VCF-style: chr4-186083943-C-T. GRCh37 (hg19) VCF-style: chr4-187005097-C-T.
Other names: short protein forms Q753*.
Identifiers: ClinVar variation 4707877 (VCV004707877.2).